The following is an entry in ClinVar:

NM_000136.3(FANCC):c.843+1G>C

Genes: FANCC (FA complementation group C; minus strand), AOPEP (aminopeptidase O (putative); plus strand). Cytogenetic location: 9q22.32.
Variant type: single nucleotide variant.
Coding change: c.843+1G>C on transcript NM_000136.3 (MANE Select); the canonical splice donor site of the intron after coding-DNA position 843, G replaced by C.
Molecular consequence: splice donor variant.
Genome position (GRCh38, 1-based): chr9:95,135,345, C>G on the plus strand (G>C on the coding strand, the complement: FANCC is on the minus strand). VCF-style: chr9-95135345-C-G. GRCh37 (hg19) VCF-style: chr9-97897627-C-G.
Other names: c.843+1G>C (NM_001243743.2, NM_001243744.2).
Identifiers: ClinVar variation 557263 (VCV000557263.11), dbSNP rs587779909, ClinGen allele CA374109167.

ClinVar aggregate classification (germline): Likely pathogenic. Review status: criteria provided, multiple submitters, no conflicts (2 of 4 stars). 3 submissions from 3 submitters: Likely pathogenic (2). 1 of the submissions does not count toward it. Last evaluated 2023-08-04.

Conditions:
Fanconi anemia (FA). Also called: Fanconi's anemia. Identifiers: Orphanet 84, MedGen C0015625, MeSH D005199, MONDO:0019391.
Fanconi anemia complementation group C (FANCC). Also called: Fanconi anemia, group C; FANCONI PANCYTOPENIA, TYPE 3; FACC; FANCC-Related Fanconi Anemia. Identifiers: Orphanet 84, MedGen C3468041, MONDO:0009213, OMIM 227645.

Submissions (3):

Baylor Genetics
Classification: Likely pathogenic for Fanconi anemia complementation group C. Last evaluated: 2023-08-04. Review status: criteria provided, single submitter. Criteria: ACMG Guidelines, 2015. Collection method: clinical testing. Allele origin: unknown.

Labcorp Genetics (formerly Invitae), Labcorp
Classification: Likely pathogenic for Fanconi anemia. Last evaluated: 2021-06-06. Review status: criteria provided, single submitter. Criteria: Invitae Variant Classification Sherloc (09022015). Collection method: clinical testing. Allele origin: germline.
Comment: In summary, the currently available evidence indicates that the variant is pathogenic, but additional data are needed to prove that conclusively. Therefore, this variant has been classified as Likely Pathogenic. Algorithms developed to predict the effect of sequence changes on RNA splicing suggest that this variant may disrupt the consensus splice site, but this prediction has not been confirmed by published transcriptional studies. Disruption of this splice site has been observed in individual(s) with breast cancer (PMID:30630526). ClinVar contains an entry for this variant (Variation ID: 557263). This variant is not present in population databases (ExAC no frequency). This sequence change affects a donor splice site in intron 8 of the FANCC gene. It is expected to disrupt RNA splicing. Variants that disrupt the donor or acceptor splice site typically lead to a loss of protein function (PMID: 16199547), and loss-of-function variants in FANCC are known to be pathogenic (PMID: 17924555).

Counsyl
Classification: Likely pathogenic for Fanconi anemia complementation group C. Last evaluated: 2018-03-14. Review status: no assertion criteria provided. Collection method: clinical testing. Allele origin: unknown. Not counted in ClinVar's aggregate classification.

Literature cited by the submitters: PubMed 30630526 (cited by Labcorp Genetics (formerly Invitae), Labcorp); PubMed 16199547 (cited by Labcorp Genetics (formerly Invitae), Labcorp); PubMed 17924555 (cited by Labcorp Genetics (formerly Invitae), Labcorp).